The following is an entry in ClinVar:

ClinVar aggregate classification (germline): Likely benign (0 of 4 stars; one submission).

Conditions:
SEMA3B-related disorder. Also called: SEMA3B-related condition.

gnomAD v4.1: 21 of 1,586,668 alleles (0.0013%); highest among the groups gnomAD compares: African/African-American, 0.021%; no homozygotes.

Submission:

PreventionGenetics, part of Exact Sciences
Classification: Likely benign for SEMA3B-related condition. Last evaluated: 2022-04-11. Review status: no assertion criteria provided. Collection method: clinical testing. Allele origin: germline.
Comment: This variant is classified as likely benign based on ACMG/AMP sequence variant interpretation guidelines (Richards et al. 2015 PMID: 25741868, with internal and published modifications).

NM_001290060.2(SEMA3B):c.1485C>A (p.Ser495=)

Gene: SEMA3B (semaphorin 3B; plus strand). Cytogenetic location: 3p21.31.
Variant type: single nucleotide variant.
Coding change: c.1485C>A on transcript NM_001290060.2 (MANE Select); coding-DNA position 1485, C replaced by A.
Protein change: p.Ser495=; no amino-acid change (serine 495 retained).
Molecular consequence: synonymous variant. On other transcripts: non-coding transcript variant (1).
Genome position (GRCh38, 1-based): chr3:50,275,047, C>A. VCF-style: chr3-50275047-C-A. GRCh37 (hg19) VCF-style: chr3-50312478-C-A.
Other names: c.1482C>A, p.Ser494= (NM_001005914.3); c.1500C>A, p.Ser500= (NM_001290061.1); c.456C>A, p.Ser152= (NM_001290062.2, NM_001290063.2); c.1485C>A, p.Ser495= (NM_004636.4).
Identifiers: ClinVar variation 3351920 (VCV003351920.1).